The following is an entry in ClinVar:

NM_153006.3(NAGS):c.614A>T (p.Asp205Val)

Gene: NAGS (N-acetylglutamate synthase; plus strand). Cytogenetic location: 17q21.31.
Variant type: single nucleotide variant.
Coding change: c.614A>T on transcript NM_153006.3 (MANE Select); coding-DNA position 614, A replaced by T.
Protein change: p.Asp205Val; replaces aspartic acid 205 with valine.
Molecular consequence: missense variant.
Genome position (GRCh38, 1-based): chr17:44,005,824, A>T. VCF-style: chr17-44005824-A-T. GRCh37 (hg19) VCF-style: chr17-42083192-A-T.
Other names: short protein forms D205V.
Identifiers: ClinVar variation 452879 (VCV000452879.4), dbSNP rs1555620502, ClinGen allele CA399725123.
Genomic context (GRCh38, chr17:44,005,824, plus strand): 5'-GCTGTCTTTCCTTCTGGGAGGCCAAGGCGCAGCTGGCCAAGAGCTGCAAGGTGCTGGTAG[A>T]CGCGCTTCGACACAACGCCGCCGCTGCTGTGCCATTTTTTGGCGGCGGGTCTGTGCTACG-3'
Protein context (NP_694551.1, residues 195-215): QLAKSCKVLV[Asp205Val]ALRHNAAAAV

ClinVar aggregate classification (germline): Uncertain significance. Review status: criteria provided, single submitter (1 of 4 stars). 2 submissions from 2 submitters: Uncertain significance (1). 1 of the submissions does not count toward it. Last evaluated 2019-05-02.

Conditions:
Hyperammonemia, type III (NAGSD). Also called: Hyperammonemia due to N-acetylglutamate synthase deficiency. Identifiers: Orphanet 927, MedGen C0268543, MONDO:0009377, OMIM 237310.

Submissions (2):

GeneDx
Classification: Uncertain significance. Last evaluated: 2019-05-02. Review status: criteria provided, single submitter. Criteria: GeneDx Variant Classification Process June 2021. Collection method: clinical testing. Allele origin: germline. Affected: yes.
Comment: Not observed in large population cohorts (Lek et al., 2016); In silico analysis, which includes protein predictors and evolutionary conservation, supports a deleterious effect; Has not been previously published as pathogenic or benign to our knowledge

Natera, Inc.
Classification: Uncertain significance for Hyperammonemia type III. Last evaluated: 2025-02-24. Review status: no assertion criteria provided. Collection method: clinical testing. Allele origin: germline. Not counted in ClinVar's aggregate classification.